The following is an entry in ClinVar:

ClinVar aggregate classification (germline): Conflicting classifications of pathogenicity. Review status: criteria provided, conflicting classifications (1 of 4 stars). 4 submissions from 3 submitters: Uncertain significance (3); Likely benign (1). Last evaluated 2025-12-01.

Conditions:
Cardiovascular phenotype. Identifiers: MedGen CN230736.
Hereditary cancer-predisposing syndrome. Also called: Hereditary Cancer Syndrome; Neoplastic Syndromes, Hereditary; Tumor predisposition; Hereditary neoplastic syndrome. Identifiers: Orphanet 140162, MedGen C0027672, MeSH D009386, MONDO:0015356.
Neurofibromatosis, type 1 (NF1). Also called: Neurofibromatosis, type I; VON RECKLINGHAUSEN DISEASE; NEUROFIBROMATOSIS, TYPE I, SOMATIC; Peripheral type neurofibromatosis. Identifiers: Orphanet 636, MedGen C0027831, MONDO:0018975, OMIM 162200. Disease mechanism: loss of function.

Allele frequency attached by ClinVar (database versions not stated): gnomAD 0.00001; gnomAD exomes 0.00001; TOPMed 0.00001.
gnomAD v4.1: 9 of 1,613,588 alleles (0.00056%); highest among the groups gnomAD compares: Non-Finnish European, 0.00076%; no homozygotes.

Submissions (4):

Labcorp Genetics (formerly Invitae), Labcorp
Classification: Likely benign for Neurofibromatosis, type 1. Last evaluated: 2025-12-01. Review status: criteria provided, single submitter. Criteria: Invitae Variant Classification Sherloc (09022015). Collection method: clinical testing. Allele origin: germline.

Genome-Nilou Lab
Classification: Uncertain significance for Neurofibromatosis, type 1. Last evaluated: 2022-03-15. Review status: criteria provided, single submitter. Criteria: ACMG Guidelines, 2015. Collection method: clinical testing. Allele origin: germline. Affected: no.

Ambry Genetics
Classification: Uncertain significance for Cardiovascular phenotype; Hereditary cancer-predisposing syndrome. Last evaluated: 2020-11-30. Review status: criteria provided, single submitter. Criteria: Ambry Variant Classification Scheme 2023. Collection method: clinical testing. Allele origin: germline.

Ambry Genetics
Classification: Uncertain significance for Hereditary cancer-predisposing syndrome. Last evaluated: 2015-01-29. Review status: criteria provided, single submitter. Criteria: Ambry Autosomal Dominant and X-Linked criteria (10/2015). Collection method: clinical testing. Allele origin: germline. Observed: 1 variant allele.
Comment: The p.I1983V variant (also known as c.5947A>G or p.I1962V or c.5884A>G), located in coding exon 40 of the NF1 gene, results from an A to G substitution at nucleotide position 5947. The isoleucine at codon 1983 is replaced by valine, an amino acid with highly similar properties. This variant was not reported in population based cohorts in the following databases: Database of Single Nucleotide Polymorphisms (dbSNP), NHLBI Exome Sequencing Project (ESP), and 1000 Genomes Project. In the ESP, this variant was not observed in 6503 samples (13006 alleles) with coverage at this position. To date, this alteration has been detected with an allele frequency of approximately 0.003% (greater than 30000alleles tested) in our clinical cohort.This amino acid position is highly conserved in available vertebrate species. In addition, the in silico prediction for this alteration is inconclusive.Since supporting evidence is limited at this time, the clinical significance of p.I1983Vremains unclear.

NM_001042492.3(NF1):c.5947A>G (p.Ile1983Val)

Gene: NF1 (neurofibromin 1; plus strand). Cytogenetic location: 17q11.2.
Variant type: single nucleotide variant.
Coding change: c.5947A>G on transcript NM_001042492.3 (MANE Select); coding-DNA position 5947, A replaced by G.
Protein change: p.Ile1983Val; replaces isoleucine 1983 with valine.
Molecular consequence: missense variant.
Genome position (GRCh38, 1-based): chr17:31,334,972, A>G. VCF-style: chr17-31334972-A-G. GRCh37 (hg19) VCF-style: chr17-29661990-A-G.
Other names: c.5884A>G, p.Ile1962Val (NM_000267.4); short protein forms I1962V, I1983V.
Identifiers: ClinVar variation 230286 (VCV000230286.13), dbSNP rs876658484, ClinGen allele CA10580361.